The following is an entry in ClinVar:

ClinVar aggregate classification (germline): Pathogenic (1 of 4 stars; one submission).

Conditions:
Sulfite oxidase deficiency due to molybdenum cofactor deficiency type C. Also called: Molybdenum cofactor deficiency, complementation group C; Molybdenum cofactor deficiency C. Identifiers: Orphanet 308400, Orphanet 833, MedGen C1854990, MONDO:0014212, OMIM 615501.

Submission:

Labcorp Genetics (formerly Invitae), Labcorp
Classification: Pathogenic for Sulfite oxidase deficiency due to molybdenum cofactor deficiency type C. Last evaluated: 2023-06-13. Review status: criteria provided, single submitter. Criteria: Invitae Variant Classification Sherloc (09022015). Collection method: clinical testing. Allele origin: germline.
Comment: This sequence change creates a premature translational stop signal (p.Gln568*) in the GPHN gene. It is expected to result in an absent or disrupted protein product. Loss-of-function variants in GPHN are known to be pathogenic (PMID: 11095995, 23184456, 23393157). For these reasons, this variant has been classified as Pathogenic. ClinVar contains an entry for this variant (Variation ID: 2091794). This variant has not been reported in the literature in individuals affected with GPHN-related conditions. This variant is not present in population databases (gnomAD no frequency).

Literature cited by the submitters: PubMed 11095995; PubMed 23184456; PubMed 23393157.

NM_020806.5(GPHN):c.1702C>T (p.Gln568Ter)

Gene: GPHN (gephyrin; plus strand). Cytogenetic location: 14q23.3.
Variant type: single nucleotide variant.
Coding change: c.1702C>T on transcript NM_020806.5 (MANE Select); coding-DNA position 1702, C replaced by T.
Protein change: p.Gln568Ter; replaces glutamine 568 with a stop codon.
Molecular consequence: nonsense.
Genome position (GRCh38, 1-based): chr14:67,122,331, C>T. VCF-style: chr14-67122331-C-T. GRCh37 (hg19) VCF-style: chr14-67589048-C-T.
Other names: c.1603C>T, p.Gln535Ter (NM_001024218.2); c.1762C>T, p.Gln588Ter (NM_001377514.1); c.1732C>T, p.Gln578Ter (NM_001377515.1); c.1723C>T, p.Gln575Ter (NM_001377516.1); c.1675C>T, p.Gln559Ter (NM_001377517.1); c.1660C>T, p.Gln554Ter (NM_001377518.1); c.1642C>T, p.Gln548Ter (NM_001377519.1); short protein forms Q568*, Q535*, Q548*, Q588*, Q554*, Q559*, Q575*, Q578*.
Identifiers: ClinVar variation 2091794 (VCV002091794.4), dbSNP rs2543525337, ClinGen allele CA390259260.